The following is an entry in ClinVar:

NM_001754.5(RUNX1):c.503G>T (p.Gly168Val)

Genes: RUNX1 (RUNX family transcription factor 1; minus strand), RUNX1-AS1 (RUNX1 antisense RNA 1; plus strand). Cytogenetic location: 21q22.12.
Variant type: single nucleotide variant.
Coding change: c.503G>T on transcript NM_001754.5 (MANE Select); coding-DNA position 503, G replaced by T.
Protein change: p.Gly168Val; replaces glycine 168 with valine.
Molecular consequence: missense variant.
Genome position (GRCh38, 1-based): chr21:34,880,562, C>A on the plus strand (G>T on the coding strand, the complement: RUNX1 is on the minus strand). VCF-style: chr21-34880562-C-A. GRCh37 (hg19) VCF-style: chr21-36252859-C-A.
Other names: NM_001754.5(RUNX1):c.503G>T; p.Gly168Val; c.422G>T, p.Gly141Val (NM_001001890.3, NM_001122607.2); short protein forms G141V, G168V.
Identifiers: ClinVar variation 973890 (VCV000973890.5), dbSNP rs2057884016, ClinGen allele CA410202476.

ClinVar aggregate classification (germline): Uncertain significance. Review status: reviewed by expert panel (3 of 4 stars). 3 submissions from 3 submitters: Uncertain significance (1). 2 of the submissions do not count toward it. Last evaluated 2024-10-29.

Conditions:
Hereditary thrombocytopenia and hematologic cancer predisposition syndrome. Identifiers: Orphanet 71290, MedGen CN281654, MONDO:0011071.
Acute myeloid leukemia (AML). Also called: Acute myeloid leukemia, adult; AML adult; Acute non-lymphocytic leukemia; Acute granulocytic leukemia; Leukemia, acute myelogenous, somatic; Leukemia, acute myeloid, somatic. Identifiers: Orphanet 519, MedGen C0023467, MeSH D015470, MONDO:0018874, OMIM 601626, HP:0004808. Disease mechanism: Constitutively activated FLT3.
Hereditary thrombocytopenia and hematological cancer predisposition syndrome associated with RUNX1. Also called: Familial Platelet Disorder with Propensity to Acute Myelogenous Leukemia; Familial thrombocytopenia with propensity to acute myelogenous leukemia; PLATELET DISORDER, ASPIRIN-LIKE; RUNX1 Familial Platelet Disorder with Associated Myeloid Malignancies. Identifiers: Orphanet 71290, MedGen C1832388, MeSH C563324, MONDO:0100083, OMIM 601399.

Submissions (3):

ClinGen Myeloid Malignancy Variant Curation Expert Panel
Classification: Uncertain significance for Hereditary thrombocytopenia and hematologic cancer predisposition syndrome. Last evaluated: 2024-10-29. Review status: reviewed by expert panel. Criteria: ClinGen MyeloMalig ACMG Specifications v2. Collection method: curation. Allele origin: germline. Inheritance: Autosomal dominant inheritance.
Comment: NM_001754.5(RUNX1):c.503G>T (p.Gly168Val) is a missense variant which is completely absent from all population databases with at least 20x coverage for RUNX1 (PM2_supporting). This variant is located within the Runt Homology Domain (AA 89-204), but does not occur in an established hotspot residue (PM1_supporting). It has a REVEL score of 0.943, which is ≥ 0.88 (PP3). In summary, the clinical significance of this variant is uncertain. ACMG/AMP criteria applied, as specified by the Myeloid Malignancy Variant Curation Expert Panel for RUNX1: PM2_supporting, PM1_supporting, PP3.

Labcorp Genetics (formerly Invitae), Labcorp
Classification: Uncertain significance for Hereditary thrombocytopenia and hematological cancer predisposition syndrome associated with RUNX1. Last evaluated: 2024-01-11. Review status: criteria provided, single submitter. Criteria: Invitae Variant Classification Sherloc (09022015). Collection method: clinical testing. Allele origin: germline. Not counted in ClinVar's aggregate classification.
Comment: This sequence change replaces glycine, which is neutral and non-polar, with valine, which is neutral and non-polar, at codon 168 of the RUNX1 protein (p.Gly168Val). This variant is not present in population databases (gnomAD no frequency). This missense change has been observed in individual(s) with myelodysplastic syndromes (PMID: 25840971). This variant is also known as c.422G>T (p.Gly141Val). ClinVar contains an entry for this variant (Variation ID: 973890). Advanced modeling of protein sequence and biophysical properties (such as structural, functional, and spatial information, amino acid conservation, physicochemical variation, residue mobility, and thermodynamic stability) has been performed at Invitae for this missense variant, however the output from this modeling did not meet the statistical confidence thresholds required to predict the impact of this variant on RUNX1 protein function. Experimental studies have shown that this missense change affects RUNX1 function (PMID: 25840971). In summary, the available evidence is currently insufficient to determine the role of this variant in disease. Therefore, it has been classified as a Variant of Uncertain Significance.

Johns Hopkins Genomics, Johns Hopkins University
Classification: Uncertain significance for Acute myeloid leukemia. Last evaluated: 2020-04-23. Review status: criteria provided, single submitter. Criteria: ACMG Guidelines, 2015. Collection method: clinical testing. Allele origin: germline. Not counted in ClinVar's aggregate classification.
Comment: This RUNX1 variant is absent from a large population dataset and has not been reported in the literature, to our knowledge, although disease-associated missense variants have been reported in nearby residues. Three bioinformatic tools queried predict that this substitution would be probably damaging, and the glycine residue at this position is evolutionarily conserved across all species assessed. Due to lack of functional and segregation data, we consider the clinical significance of c.503G>T to be uncertain at this time.

Literature cited by the submitters: PubMed 25840971 (cited by Labcorp Genetics (formerly Invitae), Labcorp).